The following is an entry in ClinVar:

NC_000009.12:g.35657849G>A

Gene: RMRP (RNA component of mitochondrial RNA processing endoribonuclease; minus strand). Cytogenetic location: 9p13.3.
Variant type: single nucleotide variant.
Genome position: GRCh38 VCF-style: chr9-35657849-G-A. GRCh37 (hg19) VCF-style: chr9-35657846-G-A.
Identifiers: ClinVar variation 1523654 (VCV001523654.3), dbSNP rs1020582110, ClinGen allele CA192745590.

ClinVar aggregate classification (germline): Uncertain significance (1 of 4 stars; one submission).

Conditions:
Anauxetic dysplasia. Identifiers: Orphanet 93347, MedGen C1846796, MONDO:0011773.

Allele frequency attached by ClinVar (database versions not stated): gnomAD 0.00001; gnomAD exomes 0.00002; TOPMed 0.00005.
gnomAD v4.1: 29 of 700,348 alleles (0.0041%); highest among the groups gnomAD compares: Non-Finnish European, 0.0068%; no homozygotes.

Submission:

Labcorp Genetics (formerly Invitae), Labcorp
Classification: Uncertain significance for Anauxetic dysplasia. Last evaluated: 2022-03-18. Review status: criteria provided, single submitter. Criteria: Invitae Variant Classification Sherloc (09022015). Collection method: clinical testing. Allele origin: germline.
Comment: This variant occurs in the RMRP gene, which encodes an RNA molecule that does not result in a protein product. This variant is present in population databases (no rsID available, gnomAD 0.007%). This variant has not been reported in the literature in individuals affected with RMRP-related conditions. Experimental studies and prediction algorithms are not available or were not evaluated, and the functional significance of this variant is currently unknown. In summary, the available evidence is currently insufficient to determine the role of this variant in disease. Therefore, it has been classified as a Variant of Uncertain Significance.